The following is an entry in ClinVar:

NM_138694.4(PKHD1):c.9210_9223del (p.Gln3070fs)

Gene: PKHD1 (PKHD1 ciliary IPT domain containing fibrocystin/polyductin; minus strand). Cytogenetic location: 6p12.3.
Variant type: Deletion.
Coding change: c.9210_9223del on transcript NM_138694.4 (MANE Select); coding-DNA positions 9210 to 9223, 14 bases deleted (GCCAGCGTGGTCCA).
Protein change: p.Gln3070fs; shifts the reading frame from glutamine 3070.
Molecular consequence: frameshift variant.
Genome position (GRCh38, 1-based): chr6:51,748,393-51,748,406, TGGACCACGCTGGC deleted on the plus strand (GCCAGCGTGGTCCA on the coding strand, the reverse complement: PKHD1 is on the minus strand); deleting any 14 consecutive bases within chr6:51,748,393-51,748,408 gives the same sequence; the c. name uses the placement nearest the transcript's 3' end. VCF-style (leftmost placement, unchanged base first): chr6-51748392-GTGGACCACGCTGGC-G. GRCh37 (hg19) VCF-style: chr6-51613190-GTGGACCACGCTGGC-G.
Other names: c.9210_9223del, p.Gln3070fs (NM_170724.3); short protein forms Q3070fs.
Identifiers: ClinVar variation 1071441 (VCV001071441.8), dbSNP rs2150985744, ClinGen allele CA2499218342.
Genomic context (GRCh38, chr6:51,748,392, plus strand): 5'-ACGTTGCCATGGAGGTTGATGTCCTTTACCTGGTTCACTTTGATTCCCGCCACCCAAATG[GTGGACCACGCTGGC>G]TGTGTCATCAGAACCACAAGGTTATTAGTGACAGTATAGGCCTGACCCTCTAAATCTATG-3'

ClinVar aggregate classification (germline): Pathogenic (1 of 4 stars; one submission).

Conditions:
Autosomal recessive polycystic kidney disease (ARPKD). Also called: AR polycystic kidney disease. Identifiers: Orphanet 731, Orphanet 8378, MedGen C0085548, MeSH D017044, MONDO:0009889.

Submission:

Labcorp Genetics (formerly Invitae), Labcorp
Classification: Pathogenic for Autosomal recessive polycystic kidney disease. Last evaluated: 2020-01-11. Review status: criteria provided, single submitter. Criteria: Invitae Variant Classification Sherloc (09022015). Collection method: clinical testing. Allele origin: germline.
Comment: For these reasons, this variant has been classified as Pathogenic. Loss-of-function variants in PKHD1 are known to be pathogenic (PMID: 19940839). This variant has not been reported in the literature in individuals with PKHD1-related conditions. This variant is not present in population databases (ExAC no frequency). This sequence change creates a premature translational stop signal (p.Gln3070Hisfs*41) in the PKHD1 gene. It is expected to result in an absent or disrupted protein product.

Literature cited by the submitters: PubMed 19940839.